The following is an entry in ClinVar:

NM_001844.5(COL2A1):c.2589del (p.Gly864fs)

Gene: COL2A1 (collagen type II alpha 1 chain; minus strand). Cytogenetic location: 12q13.11.
Variant type: Deletion.
Coding change: c.2589del on transcript NM_001844.5 (MANE Select); coding-DNA position 2589, one base deleted (T; older notation c.2589delT).
Protein change: p.Gly864fs; shifts the reading frame from glycine 864.
Molecular consequence: frameshift variant.
Genome position (GRCh38, 1-based): chr12:47,980,590, A deleted on the plus strand (T on the coding strand, the reverse complement: COL2A1 is on the minus strand). VCF-style (leftmost placement, unchanged base first): chr12-47980589-CA-C. GRCh37 (hg19) VCF-style: chr12-48374372-CA-C.
Other names: c.2382del, p.Gly795fs (NM_033150.3); short protein forms G795fs, G864fs.
Identifiers: ClinVar variation 2104889 (VCV002104889.4), dbSNP rs2540122241, ClinGen allele CA2580085558.

ClinVar aggregate classification (germline): Pathogenic (1 of 4 stars; one submission).

Submission:

Labcorp Genetics (formerly Invitae), Labcorp
Classification: Pathogenic. Last evaluated: 2023-05-13. Review status: criteria provided, single submitter. Criteria: Invitae Variant Classification Sherloc (09022015). Collection method: clinical testing. Allele origin: germline.
Comment: ClinVar contains an entry for this variant (Variation ID: 2104889). For these reasons, this variant has been classified as Pathogenic. This sequence change creates a premature translational stop signal (p.Gly864Valfs*17) in the COL2A1 gene. It is expected to result in an absent or disrupted protein product. Loss-of-function variants in COL2A1 are known to be pathogenic (PMID: 20179744). This variant is not present in population databases (gnomAD no frequency). This variant has not been reported in the literature in individuals affected with COL2A1-related conditions.

Literature cited by the submitters: PubMed 20179744.